The following is an entry in ClinVar:

ClinVar aggregate classification (germline): Uncertain significance (1 of 4 stars; one submission).

Conditions:
Familial sleep-related hypermotor epilepsy. Also called: Autosomal Dominant Sleep-Related Hypermotor (Hyperkinetic) Epilepsy. Identifiers: Orphanet 98784, MedGen C3696898, MONDO:0000030.

Allele frequency attached by ClinVar (database versions not stated): TOPMed below 0.00001; gnomAD 0.00001.
gnomAD v4.1: 2 of 1,614,070 alleles (0.00012%); highest among the groups gnomAD compares: African/African-American, 0.0027%; no homozygotes.

Submission:

Labcorp Genetics (formerly Invitae), Labcorp
Classification: Uncertain significance. Last evaluated: 2023-08-23. Review status: criteria provided, single submitter. Criteria: Invitae Variant Classification Sherloc (09022015). Collection method: clinical testing. Allele origin: germline.
Comment: This variant is not present in population databases (gnomAD no frequency). This variant has not been reported in the literature in individuals affected with CHRNA2-related conditions. Advanced modeling of protein sequence and biophysical properties (such as structural, functional, and spatial information, amino acid conservation, physicochemical variation, residue mobility, and thermodynamic stability) performed at Invitae indicates that this missense variant is not expected to disrupt CHRNA2 protein function. In summary, the available evidence is currently insufficient to determine the role of this variant in disease. Therefore, it has been classified as a Variant of Uncertain Significance. This sequence change replaces alanine, which is neutral and non-polar, with threonine, which is neutral and polar, at codon 209 of the CHRNA2 protein (p.Ala209Thr).

NM_000742.4(CHRNA2):c.625G>A (p.Ala209Thr)

Gene: CHRNA2 (cholinergic receptor nicotinic alpha 2 subunit; minus strand). Cytogenetic location: 8p21.2.
Variant type: single nucleotide variant.
Coding change: c.625G>A on transcript NM_000742.4 (MANE Select); coding-DNA position 625, G replaced by A.
Protein change: p.Ala209Thr; replaces alanine 209 with threonine.
Molecular consequence: missense variant.
Genome position (GRCh38, 1-based): chr8:27,463,818, C>T on the plus strand (G>A on the coding strand, the complement: CHRNA2 is on the minus strand). VCF-style: chr8-27463818-C-T. GRCh37 (hg19) VCF-style: chr8-27321335-C-T.
Other names: c.580G>A, p.Ala194Thr (NM_001282455.2); c.148G>A, p.Ala50Thr (NM_001347705.2, NM_001347706.2); c.31G>A, p.Ala11Thr (NM_001347707.2, NM_001347708.2); short protein forms A11T, A194T, A209T, A50T.
Identifiers: ClinVar variation 2855267 (VCV002855267.3), dbSNP rs1812609243, ClinGen allele CA370811184.
Genomic context (GRCh38, chr8:27,463,818, plus strand): 5'-CGCTCTCCCAGTAGTCCTTCAGGTCCACAGTCTGCTCCATCTGCTCCAGGTCGATCTTGG[C>T]CTTGTCATAAGTCCAGGAGCCAAACTTCATCTTGCAGTTCTGCTGGTCGAAGGGGAAGAA-3'
Protein context (NP_000733.2, residues 199-219): MKFGSWTYDK[Ala209Thr]KIDLEQMEQT